The following is an entry in ClinVar:

NM_006516.4(SLC2A1):c.1438G>A (p.Glu480Lys)

Gene: SLC2A1 (solute carrier family 2 member 1; minus strand). Cytogenetic location: 1p34.2.
Variant type: single nucleotide variant.
Coding change: c.1438G>A on transcript NM_006516.4 (MANE Select); coding-DNA position 1438, G replaced by A.
Protein change: p.Glu480Lys; replaces glutamic acid 480 with lysine.
Molecular consequence: missense variant.
Genome position (GRCh38, 1-based): chr1:42,927,082, C>T on the plus strand (G>A on the coding strand, the complement: SLC2A1 is on the minus strand). VCF-style: chr1-42927082-C-T. GRCh37 (hg19) VCF-style: chr1-43392753-C-T.
Other names: short protein forms E480K.
Identifiers: ClinVar variation 681030 (VCV000681030.9), dbSNP rs756304012, ClinGen allele CA803277.

ClinVar aggregate classification (germline): Conflicting classifications of pathogenicity. Review status: criteria provided, conflicting classifications (1 of 4 stars). 3 submissions from 3 submitters: Uncertain significance (2); Likely benign (1). Last evaluated 2025-02-24.

Conditions:
GLUT1 deficiency syndrome 1, autosomal recessive. Identifiers: MedGen C3149117.

Allele frequency attached by ClinVar (database versions not stated): TOPMed below 0.00001; ExAC 0.00001; gnomAD exomes 0.00001 and 0.00002.
gnomAD v4.1: 13 of 1,614,194 alleles (0.00081%); highest among the groups gnomAD compares: East Asian, 0.0022%; no homozygotes.

Submissions (3):

Women's Health and Genetics/Laboratory Corporation of America, LabCorp
Classification: Uncertain significance. Last evaluated: 2025-02-24. Review status: criteria provided, single submitter. Criteria: LabCorp Variant Classification Summary - May 2015. Collection method: clinical testing. Allele origin: germline.
Comment: Variant summary: SLC2A1 c.1438G>A (p.Glu480Lys) results in a conservative amino acid change in the encoded protein sequence. Four of five in-silico tools predict a benign effect of the variant on protein function. The variant allele was found at a frequency of 1.6e-05 in 251330 control chromosomes. The available data on variant occurrences in the general population are insufficient to allow any conclusion about variant significance. To our knowledge, no occurrence of c.1438G>A in individuals affected with GLUT1 Deficiency Syndrome 1 and no experimental evidence demonstrating its impact on protein function have been reported. ClinVar contains an entry for this variant (Variation ID: 681030). Based on the evidence outlined above, the variant was classified as uncertain significance.

Labcorp Genetics (formerly Invitae), Labcorp
Classification: Uncertain significance for GLUT1 deficiency syndrome 1, autosomal recessive. Last evaluated: 2025-02-23. Review status: criteria provided, single submitter. Criteria: Invitae Variant Classification Sherloc (09022015). Collection method: clinical testing. Allele origin: germline.
Comment: This sequence change replaces glutamic acid, which is acidic and polar, with lysine, which is basic and polar, at codon 480 of the SLC2A1 protein (p.Glu480Lys). This variant is present in population databases (rs756304012, gnomAD 0.006%). This variant has not been reported in the literature in individuals affected with SLC2A1-related conditions. ClinVar contains an entry for this variant (Variation ID: 681030). Invitae Evidence Modeling of protein sequence and biophysical properties (such as structural, functional, and spatial information, amino acid conservation, physicochemical variation, residue mobility, and thermodynamic stability) indicates that this missense variant is not expected to disrupt SLC2A1 protein function with a negative predictive value of 95%. In summary, the available evidence is currently insufficient to determine the role of this variant in disease. Therefore, it has been classified as a Variant of Uncertain Significance.

GeneDx
Classification: Likely benign. Last evaluated: 2018-03-23. Review status: criteria provided, single submitter. Criteria: GeneDx Variant Classification (06012015). Collection method: clinical testing. Allele origin: germline. Affected: yes.
Comment: This variant is considered likely benign or benign based on one or more of the following criteria: it is a conservative change, it occurs at a poorly conserved position in the protein, it is predicted to be benign by multiple in silico algorithms, and/or has population frequency not consistent with disease.